The following is an entry in ClinVar:

NM_001164508.2(NEB):c.12244T>C (p.Tyr4082His)

Gene: NEB (nebulin; minus strand). Cytogenetic location: 2q23.3.
Variant type: single nucleotide variant.
Coding change: c.12244T>C on transcript NM_001164508.2 (MANE Select); coding-DNA position 12244, T replaced by C.
Protein change: p.Tyr4082His; replaces tyrosine 4082 with histidine.
Molecular consequence: missense variant.
Genome position (GRCh38, 1-based): chr2:151,609,895, A>G on the plus strand (T>C on the coding strand, the complement: NEB is on the minus strand). VCF-style: chr2-151609895-A-G. GRCh37 (hg19) VCF-style: chr2-152466409-A-G.
Other names: c.12244T>C, p.Tyr4082His (NM_001164507.2, NM_001271208.2); c.11515T>C, p.Tyr3839His (NM_004543.5); short protein forms Y3839H, Y4082H.
Identifiers: ClinVar variation 2015174 (VCV002015174.3), dbSNP rs2552227173, ClinGen allele CA348776935.

ClinVar aggregate classification (germline): Uncertain significance (1 of 4 stars; one submission).

Conditions:
Nemaline myopathy 2 (NEM2). Also called: Nemaline myopathy 2, autosomal recessive. Identifiers: MedGen C1850569, MONDO:0009725, OMIM 256030.

Submission:

Labcorp Genetics (formerly Invitae), Labcorp
Classification: Uncertain significance for Nemaline myopathy 2. Last evaluated: 2024-10-16. Review status: criteria provided, single submitter. Criteria: Invitae Variant Classification Sherloc (09022015). Collection method: clinical testing. Allele origin: germline.
Comment: This sequence change replaces tyrosine, which is neutral and polar, with histidine, which is basic and polar, at codon 4082 of the NEB protein (p.Tyr4082His). This variant is not present in population databases (gnomAD no frequency). This variant has not been reported in the literature in individuals affected with NEB-related conditions. ClinVar contains an entry for this variant (Variation ID: 2015174). Experimental studies and prediction algorithms are not available or were not evaluated, and the functional significance of this variant is currently unknown. In summary, the available evidence is currently insufficient to determine the role of this variant in disease. Therefore, it has been classified as a Variant of Uncertain Significance.